The following is an entry in ClinVar:

ClinVar aggregate classification (germline): Benign (1 of 4 stars; one submission).

Allele frequency attached by ClinVar (database versions not stated): 1000 Genomes Project 30x 0.30247; 1000 Genomes Project 0.30192; gnomAD 0.32726; TOPMed 0.31977.
gnomAD v4.1: 51,535 of 151,614 alleles (34%); highest among the groups gnomAD compares: South Asian, 61%; 9,944 homozygotes.

Submission:

GeneDx
Classification: Benign. Last evaluated: 2018-06-14. Review status: criteria provided, single submitter. Criteria: GeneDx Variant Classification (06012015). Collection method: clinical testing. Allele origin: germline. Affected: yes.
Comment: This variant is considered likely benign or benign based on one or more of the following criteria: it is a conservative change, it occurs at a poorly conserved position in the protein, it is predicted to be benign by multiple in silico algorithms, and/or has population frequency not consistent with disease.

NM_016630.7(SPG21):c.225+310G>T

Gene: SPG21 (SPG21 abhydrolase domain containing, maspardin; minus strand). Cytogenetic location: 15q22.31.
Variant type: single nucleotide variant.
Coding change: c.225+310G>T on transcript NM_016630.7 (MANE Select); 310 bases into the intron after coding-DNA position 225, G replaced by T.
Molecular consequence: intron variant.
Genome position (GRCh38, 1-based): chr15:64,980,554, C>A on the plus strand (G>T on the coding strand, the complement: SPG21 is on the minus strand). VCF-style: chr15-64980554-C-A. GRCh37 (hg19) VCF-style: chr15-65272892-C-A.
Other names: c.225+310G>T (NM_001127890.5, NM_001127889.5).
Identifiers: ClinVar variation 667515 (VCV000667515.1), dbSNP rs11858985, ClinGen allele CA14083935.